The following is an entry in ClinVar:

ClinVar aggregate classification (germline): Likely benign (0 of 4 stars; one submission).

Conditions:
MYRF-related disorder. Also called: MYRF-related disorders; MYRF-related condition.

Allele frequency attached by ClinVar (database versions not stated): gnomAD exomes 0.00001; TOPMed 0.00002.
gnomAD v4.1: 13 of 1,302,182 alleles (0.001%); highest among the groups gnomAD compares: East Asian, 0.063%; no homozygotes.

Submission:

PreventionGenetics, part of Exact Sciences
Classification: Likely benign for MYRF-related condition. Last evaluated: 2022-04-15. Review status: no assertion criteria provided. Collection method: clinical testing. Allele origin: germline.
Comment: This variant is classified as likely benign based on ACMG/AMP sequence variant interpretation guidelines (Richards et al. 2015 PMID: 25741868, with internal and published modifications).

NM_001127392.3(MYRF):c.620T>C (p.Met207Thr)

Gene: MYRF (myelin regulatory factor; plus strand). Cytogenetic location: 11q12.2.
Variant type: single nucleotide variant.
Coding change: c.620T>C on transcript NM_001127392.3 (MANE Select); coding-DNA position 620, T replaced by C.
Protein change: p.Met207Thr; replaces methionine 207 with threonine.
Molecular consequence: missense variant.
Genome position (GRCh38, 1-based): chr11:61,770,405, T>C. VCF-style: chr11-61770405-T-C. GRCh37 (hg19) VCF-style: chr11-61537877-T-C.
Other names: c.593T>C, p.Met198Thr (NM_013279.4); short protein forms M198T, M207T.
Identifiers: ClinVar variation 3059086 (VCV003059086.2), dbSNP rs760787941, ClinGen allele CA6037599.
Genomic context (GRCh38, chr11:61,770,405, plus strand): 5'-GCCCCCCGCCACCCCCACCACCCCCACCTCACTACCCTGTCCTGCAGCGGGATCTGTACA[T>C]GAAGGCCGAGCCCCCGATCCCCCACTACGCTGCCATGGGGCAGGGGCTGGTGCCCACTGA-3'
Protein context (NP_001120864.1, residues 197-217): HYPVLQRDLY[Met207Thr]KAEPPIPHYA